The following is an entry in ClinVar:

ClinVar aggregate classification (germline): Pathogenic (1 of 4 stars; one submission).

Conditions:
Imerslund-Grasbeck syndrome. Also called: ENTEROCYTE COBALAMIN MALABSORPTION; ENTEROCYTE INTRINSIC FACTOR RECEPTOR, DEFECT OF; Imerslund-Gräsbeck syndrome; PERNICIOUS ANEMIA, JUVENILE, DUE TO SELECTIVE INTESTINAL MALABSORPTION OF VITAMIN B12, WITH PROTEINURIA; Megaloblastic anemia due to inborn errors of metabolism. Identifiers: Orphanet 35858, MedGen C4551825, MONDO:0009853.

Submission:

Labcorp Genetics (formerly Invitae), Labcorp
Classification: Pathogenic for Imerslund-Grasbeck syndrome. Last evaluated: 2025-09-23. Review status: criteria provided, single submitter. Criteria: Invitae Variant Classification Sherloc (09022015). Collection method: clinical testing. Allele origin: germline.
Comment: This sequence change creates a premature translational stop signal (p.Ser149Cysfs*12) in the AMN gene. It is expected to result in an absent or disrupted protein product. Loss-of-function variants in AMN are known to be pathogenic (PMID: 12590260, 22929189). This variant is not present in population databases (gnomAD no frequency). This variant has not been reported in the literature in individuals affected with AMN-related conditions. For these reasons, this variant has been classified as Pathogenic.

Literature cited by the submitters: PubMed 12590260; PubMed 22929189.

NM_030943.4(AMN):c.442_445dup (p.Ser149fs)

Gene: AMN (amnion associated transmembrane protein; plus strand). Cytogenetic location: 14q32.32.
Variant type: Duplication.
Coding change: c.442_445dup on transcript NM_030943.4 (MANE Select); coding-DNA positions 442 to 445, 4 bases duplicated (GCCT; older notation c.442_445dupGCCT).
Protein change: p.Ser149fs; shifts the reading frame from serine 149.
Molecular consequence: frameshift variant.
Genome position (GRCh38, 1-based): chr14:102,928,904-102,928,907, GCCT duplicated; duplicating any 4 consecutive bases within chr14:102,928,903-102,928,907 gives the same sequence; the c. name uses the placement nearest the transcript's 3' end. VCF-style (leftmost placement, unchanged base first): chr14-102928902-G-GTGCC. GRCh37 (hg19) VCF-style: chr14-103395239-G-GTGCC.
Other names: c.280_283dup, p.Ser95fs (NM_001425246.1); short protein forms S149fs, S95fs.
Identifiers: ClinVar variation 4726084 (VCV004726084.1).